The following is an entry in ClinVar:

NM_000053.4(ATP7B):c.549C>T (p.Ala183=)

Gene: ATP7B (ATPase copper transporting beta; minus strand). Cytogenetic location: 13q14.3.
Variant type: single nucleotide variant.
Coding change: c.549C>T on transcript NM_000053.4 (MANE Select); coding-DNA position 549, C replaced by T.
Protein change: p.Ala183=; no amino-acid change (alanine 183 retained).
Molecular consequence: synonymous variant.
Genome position (GRCh38, 1-based): chr13:51,974,671, G>A on the plus strand (C>T on the coding strand, the complement: ATP7B is on the minus strand). VCF-style: chr13-51974671-G-A. GRCh37 (hg19) VCF-style: chr13-52548807-G-A.
Other names: c.549C>T, p.Ala183= (NM_001005918.3, NM_001243182.2, NM_001330578.2 and 1 more transcripts).
Identifiers: ClinVar variation 697636 (VCV000697636.12), dbSNP rs772619981, ClinGen allele CA6989538.

ClinVar aggregate classification (germline): Likely benign. Review status: criteria provided, multiple submitters, no conflicts (2 of 4 stars). 5 submissions from 5 submitters: Likely benign (5). Last evaluated 2026-05-13.

Conditions:
ATP7B-related disorder. Also called: ATP7B-related condition.
Wilson disease (WND). Also called: Wilson's disease. Identifiers: Orphanet 905, MedGen C0019202, MONDO:0010200, OMIM 277900. Disease mechanism: loss of function.

Allele frequency attached by ClinVar (database versions not stated): gnomAD exomes below 0.00001; ExAC 0.00001; TOPMed 0.00003; gnomAD 0.00005.
gnomAD v4.1: 21 of 1,610,780 alleles (0.0013%); highest among the groups gnomAD compares: African/African-American, 0.0027%; no homozygotes.

Submissions (5):

PreventionGenetics, part of Exact Sciences
Classification: Likely benign for ATP7B-related condition. Last evaluated: 2026-05-13. Review status: criteria provided, single submitter. Criteria: ACMG Guidelines, 2015. Collection method: clinical testing. Allele origin: germline.
Comment: This variant is classified as likely benign based on ACMG/AMP sequence variant interpretation guidelines (Richards et al. 2015 PMID: 25741868, with internal and published modifications).

Women's Health and Genetics/Laboratory Corporation of America, LabCorp
Classification: Likely benign. Last evaluated: 2026-04-06. Review status: criteria provided, single submitter. Criteria: LabCorp Variant Classification Summary - May 2015. Collection method: clinical testing. Allele origin: germline.

Labcorp Genetics (formerly Invitae), Labcorp
Classification: Likely benign for Wilson disease. Last evaluated: 2025-12-15. Review status: criteria provided, single submitter. Criteria: Invitae Variant Classification Sherloc (09022015). Collection method: clinical testing. Allele origin: germline.

All of Us Research Program, National Institutes of Health
Classification: Likely benign for Wilson disease. Last evaluated: 2023-12-01. Review status: criteria provided, single submitter. Criteria: ACMG Guidelines, 2015. Collection method: clinical testing. Allele origin: germline. Inheritance: Autosomal recessive inheritance. Observed: 12 variant alleles, 12 heterozygotes.
Comment: This study involves interpretation of variants in research participants for the purpose of population health screening. Participant phenotype was not available at the time of variant classification. Additional details can be found in publication PMID: 35346344, PMCID: PMC8962531

Color Diagnostics, LLC DBA Color Health
Classification: Likely benign for Wilson disease. Last evaluated: 2023-03-31. Review status: criteria provided, single submitter. Criteria: ACMG Guidelines, 2015. Collection method: clinical testing. Allele origin: germline.